The following is an entry in ClinVar:

NM_000361.3(THBD):c.1504G>C (p.Gly502Arg)

Gene: THBD (thrombomodulin; minus strand). Cytogenetic location: 20p11.21.
Variant type: single nucleotide variant.
Coding change: c.1504G>C on transcript NM_000361.3 (MANE Select); coding-DNA position 1504, G replaced by C.
Protein change: p.Gly502Arg; replaces glycine 502 with arginine.
Molecular consequence: missense variant.
Genome position (GRCh38, 1-based): chr20:23,048,001, C>G on the plus strand (G>C on the coding strand, the complement: THBD is on the minus strand). VCF-style: chr20-23048001-C-G. GRCh37 (hg19) VCF-style: chr20-23028638-C-G.
Other names: p.Gly502Arg; short protein forms G502R.
Identifiers: ClinVar variation 734869 (VCV000734869.22), dbSNP rs76135678, ClinGen allele CA9787541.

ClinVar aggregate classification (germline): Conflicting classifications of pathogenicity. Review status: criteria provided, conflicting classifications (1 of 4 stars). 9 submissions from 9 submitters: Uncertain significance (2); Benign (3); Likely benign (4). Last evaluated 2026-01-24.

Conditions:
Thrombomodulin-related bleeding disorder (THPH12). Also called: Thrombophilia due to thrombomodulin defect. Identifiers: Orphanet 436169, MedGen C3280976, MONDO:0013775, OMIM 614486.
Atypical hemolytic-uremic syndrome with thrombomodulin anomaly. Also called: HEMOLYTIC UREMIC SYNDROME, ATYPICAL, SUSCEPTIBILITY TO, 6; AHUS, SUSCEPTIBILITY TO, 6. Identifiers: MedGen C2752036, MONDO:0013044, OMIM 612926. Disease mechanism: gain of function.

Allele frequency attached by ClinVar (database versions not stated): ESP Exome Variant Server 0.00617; gnomAD 0.00624 and 0.00655; TOPMed 0.00670; 1000 Genomes Project 0.00759; 1000 Genomes Project 30x 0.00874.

Submissions (9):

Labcorp Genetics (formerly Invitae), Labcorp
Classification: Benign. Last evaluated: 2026-01-24. Review status: criteria provided, single submitter. Criteria: Invitae Variant Classification Sherloc (09022015). Collection method: clinical testing. Allele origin: germline.

Women's Health and Genetics/Laboratory Corporation of America, LabCorp
Classification: Likely benign. Last evaluated: 2026-01-23. Review status: criteria provided, single submitter. Criteria: LabCorp Variant Classification Summary - May 2015. Collection method: clinical testing. Allele origin: germline.

Genomenon, Inc
Classification: Benign for Thrombomodulin-related bleeding disorder. Last evaluated: 2025-09-22. Review status: criteria provided, single submitter. Criteria: Genomenon Sequence Variant Interpretation Standards - Updated. Collection method: curation. Allele origin: germline. Affected: no.
Comment: THBD p.Gly502Arg (c.1504G>C) is a missense variant that changes the amino acid at residue 502 from Glycine to Arginine. This variant is present at high allele frequency in population databases. In conclusion, we classify THBD p.Gly502Arg (c.1504G>C) as a benign variant.

GeneDx
Classification: Uncertain significance. Last evaluated: 2025-07-30. Review status: criteria provided, single submitter. Criteria: GeneDx Variant Classification Process June 2021. Collection method: clinical testing. Allele origin: germline. Affected: yes.
Comment: In silico analysis suggests that this missense variant does not alter protein structure/function; This variant is associated with the following publications: (PMID: 34426522, 39841007, 37647632, Ji2018[ReviewArticle], 34355501, Cao2024[CaseReport], 24933457)

Mayo Clinic Laboratories, Mayo Clinic
Classification: Likely benign. Last evaluated: 2025-05-02. Review status: criteria provided, single submitter. Criteria: ACMG Guidelines, 2015. Collection method: clinical testing. Allele origin: germline. Observed: 37 variant alleles.
Comment: BS1, BP4

Blueprint Genetics
Classification: Likely benign. Last evaluated: 2024-11-13. Review status: criteria provided, single submitter. Criteria: ACMG Guidelines, 2015. Collection method: clinical testing. Allele origin: germline.

Genetic Services Laboratory, University of Chicago
Classification: Likely benign. Last evaluated: 2020-03-16. Review status: criteria provided, single submitter. Criteria: ACMG Guidelines, 2015. Collection method: clinical testing. Allele origin: germline. Affected: no.

Illumina Laboratory Services, Illumina
Classification: Benign for Atypical hemolytic-uremic syndrome with thrombomodulin anomaly. Last evaluated: 2017-10-13. Review status: criteria provided, single submitter. Criteria: ICSL Variant Classification Criteria 13 December 2019. Collection method: clinical testing. Allele origin: germline.
Comment: This variant was observed as part of a predisposition screen in an ostensibly healthy population. A literature search was performed for the gene, cDNA change, and amino acid change (where applicable). Publications were found based on this search. The evidence from the literature, in combination with allele frequency data from public databases where available, was sufficient to rule this variant out of causing disease. Therefore, this variant is classified as benign.

ISTH-SSC Genomics in Thrombosis and Hemostasis, KU Leuven, Center for Molecular and Vascular Biology
Classification: Uncertain significance for Thrombomodulin-related bleeding disorder. Review status: criteria provided, single submitter. Criteria: ACMG Guidelines, 2015. Collection method: clinical testing. Allele origin: unknown. Affected: yes.
Comment: Submitted to GoldVariant by Kathleen Freson, Center for Molecular and Vascular Biology, Leuven, Belgium

Literature cited by the submitters: PubMed 24933457 (cited by Illumina Laboratory Services, Illumina); PubMed 34355501 (cited by ISTH-SSC Genomics in Thrombosis and Hemostasis, KU Leuven, Center for Molecular and Vascular Biology).